The following is an entry in ClinVar:

ClinVar aggregate classification (germline): Likely pathogenic (1 of 4 stars; one submission).

Conditions:
Primary ciliary dyskinesia. Also called: Ciliary dyskinesia. Identifiers: Orphanet 244, MedGen C0008780, MONDO:0016575, HP:0012265.

Submission:

Labcorp Genetics (formerly Invitae), Labcorp
Classification: Likely pathogenic for Primary ciliary dyskinesia. Last evaluated: 2023-11-24. Review status: criteria provided, single submitter. Criteria: Invitae Variant Classification Sherloc (09022015). Collection method: clinical testing. Allele origin: unknown.
Comment: This variant results in a copy number gain of the genomic region encompassing exon(s) 43-44 of the DNAH11 gene. While the exact position of this variant cannot be determined from the data, sub-genic copy number gains are generally in tandem (PMID: 25640679). This variant is predicted to be out-of-frame, and may result in an absent or disrupted protein product. Loss-of-function variants in DNAH11 are known to be pathogenic (PMID: 18022865, 20513915, 22184204). This variant has not been reported in the literature in individuals affected with DNAH11-related conditions. In summary, the currently available evidence indicates that the variant is pathogenic, but additional data are needed to prove that conclusively. Therefore, this variant has been classified as Likely Pathogenic.

Literature cited by the submitters: PubMed 25640679; PubMed 18022865; PubMed 20513915; PubMed 22184204.

NC_000007.13:g.(?_21757373)_(21760494_?)dup

Gene: DNAH11 (dynein axonemal heavy chain 11; plus strand). Cytogenetic location: 7p15.3.
Variant type: Duplication.
Identifiers: ClinVar variation 3245639 (VCV003245639.1).